The following is an entry in ClinVar:

NM_005896.4(IDH1):c.1088C>T (p.Ser363Phe)

Gene: IDH1 (isocitrate dehydrogenase (NADP(+)) 1; minus strand). Cytogenetic location: 2q34.
Variant type: single nucleotide variant.
Coding change: c.1088C>T on transcript NM_005896.4 (MANE Select); coding-DNA position 1088, C replaced by T.
Protein change: p.Ser363Phe; replaces serine 363 with phenylalanine.
Molecular consequence: missense variant.
Genome position (GRCh38, 1-based): chr2:208,239,137, G>A on the plus strand (C>T on the coding strand, the complement: IDH1 is on the minus strand). VCF-style: chr2-208239137-G-A. GRCh37 (hg19) VCF-style: chr2-209103861-G-A.
Other names: c.1088C>T, p.Ser363Phe (NM_001282386.1, NM_001282387.1); short protein forms S363F.
Identifiers: ClinVar variation 1788215 (VCV001788215.2), dbSNP rs2124847412, ClinGen allele CA350094301.

ClinVar aggregate classification (germline): Uncertain significance (1 of 4 stars; one submission).

Submission:

Ambry Genetics
Classification: Uncertain significance. Last evaluated: 2021-11-05. Review status: criteria provided, single submitter. Criteria: Ambry Variant Classification Scheme 2023. Collection method: clinical testing. Allele origin: germline.
Comment: The p.S363F variant (also known as c.1088C>T), located in coding exon 7 of the IDH1 gene, results from a C to T substitution at nucleotide position 1088. The serine at codon 363 is replaced by phenylalanine, an amino acid with highly dissimilar properties. This amino acid position is conserved. In addition, this alteration is predicted to be tolerated by in silico analysis. Since supporting evidence is limited at this time, the clinical significance of this alteration remains unclear.